The following is an entry in ClinVar:

NM_000143.4(FH):c.967G>A (p.Glu323Lys)

Gene: FH (fumarate hydratase; minus strand). Cytogenetic location: 1q43.
Variant type: single nucleotide variant.
Coding change: c.967G>A on transcript NM_000143.4 (MANE Select); coding-DNA position 967, G replaced by A.
Protein change: p.Glu323Lys; replaces glutamic acid 323 with lysine.
Molecular consequence: missense variant.
Genome position (GRCh38, 1-based): chr1:241,504,183, C>T on the plus strand (G>A on the coding strand, the complement: FH is on the minus strand). VCF-style: chr1-241504183-C-T. GRCh37 (hg19) VCF-style: chr1-241667483-C-T.
Other names: short protein forms E323K.
Identifiers: ClinVar variation 1518746 (VCV001518746.6), dbSNP rs2147916256, ClinGen allele CA345438320.

ClinVar aggregate classification (germline): Likely pathogenic (1 of 4 stars; one submission).

Submission:

Labcorp Genetics (formerly Invitae), Labcorp
Classification: Likely pathogenic. Last evaluated: 2021-10-08. Review status: criteria provided, single submitter. Criteria: Invitae Variant Classification Sherloc (09022015). Collection method: clinical testing. Allele origin: germline.
Comment: In summary, the currently available evidence indicates that the variant is pathogenic, but additional data are needed to prove that conclusively. Therefore, this variant has been classified as Likely Pathogenic. Advanced modeling of protein sequence and biophysical properties (such as structural, functional, and spatial information, amino acid conservation, physicochemical variation, residue mobility, and thermodynamic stability) performed at Invitae indicates that this missense variant is expected to disrupt FH protein function. This missense change has been observed in individual(s) with hereditary leiomyomatosis and renal cell cancer (HLRCC) (Invitae). This variant is not present in population databases (ExAC no frequency). This sequence change replaces glutamic acid with lysine at codon 323 of the FH protein (p.Glu323Lys). The glutamic acid residue is highly conserved and there is a small physicochemical difference between glutamic acid and lysine.